The following is an entry in ClinVar:

ClinVar aggregate classification (germline): Benign (1 of 4 stars; one submission).

Allele frequency attached by ClinVar (database versions not stated): gnomAD exomes 0.00569; gnomAD 0.02466 and 0.02566; TOPMed 0.02656; 1000 Genomes Project 30x 0.02764; 1000 Genomes Project 0.02776.
gnomAD v4.1: 4,795 of 341,262 alleles (1.4%); highest among the groups gnomAD compares: African/African-American, 7.8%; 167 homozygotes.

Submission:

GeneDx
Classification: Benign. Last evaluated: 2018-06-18. Review status: criteria provided, single submitter. Criteria: GeneDx Variant Classification (06012015). Collection method: clinical testing. Allele origin: germline. Affected: yes.
Comment: This variant is considered likely benign or benign based on one or more of the following criteria: it is a conservative change, it occurs at a poorly conserved position in the protein, it is predicted to be benign by multiple in silico algorithms, and/or has population frequency not consistent with disease.

NM_177924.5(ASAH1):c.216+137A>G

Gene: ASAH1 (N-acylsphingosine amidohydrolase 1; minus strand). Cytogenetic location: 8p22.
Variant type: single nucleotide variant.
Coding change: c.216+137A>G on transcript NM_177924.5 (MANE Select); 137 bases into the intron after coding-DNA position 216, A replaced by G.
Molecular consequence: intron variant.
Genome position (GRCh38, 1-based): chr8:18,071,163, T>C on the plus strand (A>G on the coding strand, the complement: ASAH1 is on the minus strand). VCF-style: chr8-18071163-T-C. GRCh37 (hg19) VCF-style: chr8-17928672-T-C.
Other names: c.264+137A>G (NM_004315.6); c.285+137A>G (NM_001127505.3); c.21+137A>G (NM_001363743.2).
Identifiers: ClinVar variation 679650 (VCV000679650.1), dbSNP rs190242612, ClinGen allele CA173146863.
Genomic context (GRCh38, chr8:18,071,163, plus strand): 5'-AAGCTGAGGCAGGGAAATTGCTAGAACCCAGGAGGCGGAGGTTGCGGCGAGCTGAGATCG[T>C]GCCACTGCATTCCAGCCTGGGTGACAGAGTGAGACTCTGTCTCAAAACAAAAAAAAAATC-3'